The following is an entry in ClinVar:

NM_020806.5(GPHN):c.1463A>G (p.Gln488Arg)

Gene: GPHN (gephyrin; plus strand). Cytogenetic location: 14q23.3.
Variant type: single nucleotide variant.
Coding change: c.1463A>G on transcript NM_020806.5 (MANE Select); coding-DNA position 1463, A replaced by G.
Protein change: p.Gln488Arg; replaces glutamine 488 with arginine.
Molecular consequence: missense variant.
Genome position (GRCh38, 1-based): chr14:67,111,910, A>G. VCF-style: chr14-67111910-A-G. GRCh37 (hg19) VCF-style: chr14-67578627-A-G.
Other names: c.1364A>G, p.Gln455Arg (NM_001024218.2); c.1523A>G, p.Gln508Arg (NM_001377514.1); c.1493A>G, p.Gln498Arg (NM_001377515.1); c.1484A>G, p.Gln495Arg (NM_001377516.1); c.1436A>G, p.Gln479Arg (NM_001377517.1); c.1421A>G, p.Gln474Arg (NM_001377518.1); c.1403A>G, p.Gln468Arg (NM_001377519.1); short protein forms Q474R, Q455R, Q468R, Q495R, Q498R, Q479R, Q488R, Q508R.
Identifiers: ClinVar variation 3719935 (VCV003719935.2).

ClinVar aggregate classification (germline): Pathogenic (1 of 4 stars; one submission).

Conditions:
Sulfite oxidase deficiency due to molybdenum cofactor deficiency type C. Also called: Molybdenum cofactor deficiency, complementation group C; Molybdenum cofactor deficiency C. Identifiers: Orphanet 308400, Orphanet 833, MedGen C1854990, MONDO:0014212, OMIM 615501.

Submission:

Labcorp Genetics (formerly Invitae), Labcorp
Classification: Pathogenic for Sulfite oxidase deficiency due to molybdenum cofactor deficiency type C. Last evaluated: 2024-12-16. Review status: criteria provided, single submitter. Criteria: Invitae Variant Classification Sherloc (09022015). Collection method: clinical testing. Allele origin: germline.
Comment: This sequence change replaces glutamine, which is neutral and polar, with arginine, which is basic and polar, at codon 488 of the GPHN protein (p.Gln488Arg). This variant is not present in population databases (gnomAD no frequency). This missense change has been observed in individual(s) with clinical features of developmental and epileptic encephalopathy (internal data). In at least one individual the variant was observed to be de novo. Invitae Evidence Modeling of protein sequence and biophysical properties (such as structural, functional, and spatial information, amino acid conservation, physicochemical variation, residue mobility, and thermodynamic stability) indicates that this missense variant is expected to disrupt GPHN protein function with a positive predictive value of 80%. For these reasons, this variant has been classified as Pathogenic.